The following is an entry in ClinVar:

ClinVar aggregate classification (germline): Uncertain significance (1 of 4 stars; one submission).

Conditions:
Hereditary cancer-predisposing syndrome. Also called: Neoplastic Syndromes, Hereditary; Tumor predisposition; Hereditary Cancer Syndrome; Hereditary neoplastic syndrome. Identifiers: Orphanet 140162, MedGen C0027672, MeSH D009386, MONDO:0015356.

Submission:

Ambry Genetics
Classification: Uncertain significance for Hereditary cancer-predisposing syndrome. Last evaluated: 2026-05-06. Review status: criteria provided, single submitter. Criteria: Ambry Variant Classification Scheme 2023. Collection method: clinical testing. Allele origin: germline.
Comment: The p.Q843H variant (also known as c.2529G>T), located in coding exon 18 of the TSC1 gene, results from a G to T substitution at nucleotide position 2529. The glutamine at codon 843 is replaced by histidine, an amino acid with highly similar properties. This amino acid position is highly conserved in available vertebrate species. In addition, the in silico prediction for this alteration is inconclusive. Based on the available evidence, the clinical significance of this variant remains unclear.

NM_000368.5(TSC1):c.2529G>T (p.Gln843His)

Gene: TSC1 (TSC complex subunit 1; minus strand). Cytogenetic location: 9q34.13.
Variant type: single nucleotide variant.
Coding change: c.2529G>T on transcript NM_000368.5 (MANE Select); coding-DNA position 2529, G replaced by T.
Protein change: p.Gln843His; replaces glutamine 843 with histidine.
Molecular consequence: missense variant. On other transcripts: non-coding transcript variant (5).
Genome position (GRCh38, 1-based): chr9:132,900,811, C>A on the plus strand (G>T on the coding strand, the complement: TSC1 is on the minus strand). VCF-style: chr9-132900811-C-A. GRCh37 (hg19) VCF-style: chr9-135776198-C-A.
Other names: c.2166G>T, p.Gln722His (NM_001406619.1, NM_001406614.1, NM_001406615.1 and 4 more transcripts); c.2163G>T, p.Gln721His (NM_001406620.1, NM_001406621.1, NM_001406622.1 and 1 more transcripts); c.2124G>T, p.Gln708His (NM_001406624.1); c.2121G>T, p.Gln707His (NM_001406625.1); c.1578G>T, p.Gln526His (NM_001406626.1); c.1575G>T, p.Gln525His (NM_001406627.1, NM_001406628.1); c.2526G>T, p.Gln842His (NM_001406600.1, NM_001162426.2, NM_001406597.1 and 2 more transcripts); c.2514G>T, p.Gln838His (NM_001406601.1, NM_001406602.1); and 8 more; short protein forms Q492H, Q525H, Q526H, Q707H, Q708H, Q721H, Q722H, Q777H.
Identifiers: ClinVar variation 4866036 (VCV004866036.1).